The following is an entry in ClinVar:

ClinVar aggregate classification (germline): Benign (0 of 4 stars; one submission).

Conditions:
DNAH17-related disorder. Also called: DNAH17-related condition.

Allele frequency attached by ClinVar (database versions not stated): gnomAD exomes 0.97173; ESP Exome Variant Server 0.97221; gnomAD 0.97722; TOPMed 0.97817; ExAC 0.97842; 1000 Genomes Project 30x 0.98860; 1000 Genomes Project 0.98902.
gnomAD v4.1: 1,569,415 of 1,613,966 alleles (97%); highest among the groups gnomAD compares: East Asian, 100%; 763,170 homozygotes.

Submission:

PreventionGenetics, part of Exact Sciences
Classification: Benign for DNAH17-related condition. Last evaluated: 2019-10-17. Review status: no assertion criteria provided. Collection method: clinical testing. Allele origin: germline.
Comment: This variant is classified as benign based on ACMG/AMP sequence variant interpretation guidelines (Richards et al. 2015 PMID: 25741868, with internal and published modifications).

NM_173628.4(DNAH17):c.697A>G (p.Thr233Ala)

Gene: DNAH17 (dynein axonemal heavy chain 17; minus strand). Cytogenetic location: 17q25.3.
Variant type: single nucleotide variant.
Coding change: c.697A>G on transcript NM_173628.4 (MANE Select); coding-DNA position 697, A replaced by G.
Protein change: p.Thr233Ala; replaces threonine 233 with alanine.
Molecular consequence: missense variant.
Genome position (GRCh38, 1-based): chr17:78,571,625, T>C on the plus strand (A>G on the coding strand, the complement: DNAH17 is on the minus strand). VCF-style: chr17-78571625-T-C. GRCh37 (hg19) VCF-style: chr17-76567707-T-C.
Other names: short protein forms T233A.
Identifiers: ClinVar variation 3060081 (VCV003060081.2), dbSNP rs894968, ClinGen allele CA8805543.